The following is an entry in ClinVar:

ClinVar aggregate classification (germline): Uncertain significance (1 of 4 stars; one submission).

Allele frequency attached by ClinVar (database versions not stated): ExAC 0.00003; gnomAD exomes 0.00004 and 0.00001; TOPMed 0.00004; gnomAD 0.00001.
gnomAD v4.1: 13 of 1,612,124 alleles (0.00081%); highest among the groups gnomAD compares: Admixed American, 0.017%; no homozygotes.

Submission:

Labcorp Genetics (formerly Invitae), Labcorp
Classification: Uncertain significance. Last evaluated: 2024-10-15. Review status: criteria provided, single submitter. Criteria: Invitae Variant Classification Sherloc (09022015). Collection method: clinical testing. Allele origin: germline.
Comment: This sequence change replaces arginine, which is basic and polar, with histidine, which is basic and polar, at codon 427 of the REPS1 protein (p.Arg427His). This variant is present in population databases (rs753423217, gnomAD 0.03%). This variant has not been reported in the literature in individuals affected with REPS1-related conditions. ClinVar contains an entry for this variant (Variation ID: 1437097). Invitae Evidence Modeling of protein sequence and biophysical properties (such as structural, functional, and spatial information, amino acid conservation, physicochemical variation, residue mobility, and thermodynamic stability) indicates that this missense variant is not expected to disrupt REPS1 protein function with a negative predictive value of 80%. In summary, the available evidence is currently insufficient to determine the role of this variant in disease. Therefore, it has been classified as a Variant of Uncertain Significance.

NM_001286611.2(REPS1):c.1280G>A (p.Arg427His)

Gene: REPS1 (RALBP1 associated Eps domain containing 1; minus strand). Cytogenetic location: 6q24.1.
Variant type: single nucleotide variant.
Coding change: c.1280G>A on transcript NM_001286611.2 (MANE Select); coding-DNA position 1280, G replaced by A.
Protein change: p.Arg427His; replaces arginine 427 with histidine.
Molecular consequence: missense variant. On other transcripts: intron variant (2).
Genome position (GRCh38, 1-based): chr6:138,926,459, C>T on the plus strand (G>A on the coding strand, the complement: REPS1 is on the minus strand). VCF-style: chr6-138926459-C-T. GRCh37 (hg19) VCF-style: chr6-139247596-C-T.
Other names: c.1280G>A, p.Arg427His (NM_031922.5); c.1257+3518G>A (NM_001286612.2, NM_001128617.3); short protein forms R427H.
Identifiers: ClinVar variation 1437097 (VCV001437097.7), dbSNP rs753423217, ClinGen allele CA4024228.